The following is an entry in ClinVar:

NM_014254.3(RXYLT1):c.84C>T (p.Phe28=)

Gene: RXYLT1 (ribitol xylosyltransferase 1; plus strand). Cytogenetic location: 12q14.2.
Variant type: single nucleotide variant.
Coding change: c.84C>T on transcript NM_014254.3 (MANE Select); coding-DNA position 84, C replaced by T.
Protein change: p.Phe28=; no amino-acid change (phenylalanine 28 retained).
Molecular consequence: synonymous variant.
Genome position (GRCh38, 1-based): chr12:63,780,044, C>T. VCF-style: chr12-63780044-C-T. GRCh37 (hg19) VCF-style: chr12-64173824-C-T.
Identifiers: ClinVar variation 514826 (VCV000514826.15), dbSNP rs200123669, ClinGen allele CA6665980.

ClinVar aggregate classification (germline): Likely benign. Review status: criteria provided, multiple submitters, no conflicts (2 of 4 stars). 4 submissions from 4 submitters: Likely benign (3). 1 of the submissions does not count toward it. Last evaluated 2025-07-06.

Conditions:
RXYLT1-related disorder. Also called: RXYLT1-related condition.

Allele frequency attached by ClinVar (database versions not stated): ESP Exome Variant Server 0.00008; gnomAD exomes 0.00011; 1000 Genomes Project 30x 0.00016; TOPMed 0.00016; 1000 Genomes Project 0.00020.
gnomAD v4.1: 121 of 1,607,322 alleles (0.0075%); highest among the groups gnomAD compares: African/African-American, 0.042%; no homozygotes.

Submissions (4):

Labcorp Genetics (formerly Invitae), Labcorp
Classification: Likely benign. Last evaluated: 2025-07-06. Review status: criteria provided, single submitter. Criteria: Invitae Variant Classification Sherloc (09022015). Collection method: clinical testing. Allele origin: germline.

Blueprint Genetics
Classification: Likely benign. Last evaluated: 2024-09-24. Review status: criteria provided, single submitter. Criteria: ACMG Guidelines, 2015. Collection method: clinical testing. Allele origin: germline.

GeneDx
Classification: Likely benign. Last evaluated: 2018-01-23. Review status: criteria provided, single submitter. Criteria: GeneDx Variant Classification (06012015). Collection method: clinical testing. Allele origin: germline. Affected: yes.
Comment: This variant is considered likely benign or benign based on one or more of the following criteria: it is a conservative change, it occurs at a poorly conserved position in the protein, it is predicted to be benign by multiple in silico algorithms, and/or has population frequency not consistent with disease.

PreventionGenetics, part of Exact Sciences
Classification: Likely benign for RXYLT1-related condition. Last evaluated: 2019-10-28. Review status: no assertion criteria provided. Collection method: clinical testing. Allele origin: germline. Not counted in ClinVar's aggregate classification.
Comment: This variant is classified as likely benign based on ACMG/AMP sequence variant interpretation guidelines (Richards et al. 2015 PMID: 25741868, with internal and published modifications).